The following is an entry in ClinVar:

NM_198129.4(LAMA3):c.6436G>A (p.Ala2146Thr)

Gene: LAMA3 (laminin subunit alpha 3; plus strand). Cytogenetic location: 18q11.2.
Variant type: single nucleotide variant.
Coding change: c.6436G>A on transcript NM_198129.4 (MANE Select); coding-DNA position 6436, G replaced by A.
Protein change: p.Ala2146Thr; replaces alanine 2146 with threonine.
Molecular consequence: missense variant.
Genome position (GRCh38, 1-based): chr18:23,904,050, G>A. VCF-style: chr18-23904050-G-A. GRCh37 (hg19) VCF-style: chr18-21484014-G-A.
Other names: c.1609G>A, p.Ala537Thr (NM_000227.6); c.6268G>A, p.Ala2090Thr (NM_001127717.4); c.1441G>A, p.Ala481Thr (NM_001127718.4); short protein forms A481T, A537T, A2090T, A2146T.
Identifiers: ClinVar variation 709161 (VCV000709161.15), dbSNP rs146005577, ClinGen allele CA8916368.

ClinVar aggregate classification (germline): Likely benign. Review status: criteria provided, multiple submitters, no conflicts (2 of 4 stars). 4 submissions from 3 submitters: Likely benign (3). 1 of the submissions does not count toward it. Last evaluated 2026-02-02.

Conditions:
LAMA3-related disorder. Also called: LAMA3-related disorders; LAMA3-related condition.
Laryngo-onycho-cutaneous syndrome (JEB2C). Also called: EPIDERMOLYSIS BULLOSA, JUNCTIONAL 2C, LARYNGOONYCHOCUTANEOUS; SHABBIR SYNDROME; LOGIC SYNDROME. Identifiers: Orphanet 2407, MedGen C1328355, MONDO:0009513, OMIM 245660.
Junctional epidermolysis bullosa gravis of Herlitz. Also called: EPIDERMOLYSIS BULLOSA, JUNCTIONAL 1B, SEVERE; Herlitz-type junctional epidermolysis bullosa; EPIDERMOLYSIS BULLOSA JUNCTIONALIS, HERLITZ TYPE; EPIDERMOLYSIS BULLOSA, JUNCTIONAL, HERLITZ-PEARSON TYPE; JEB-HERLITZ TYPE; Epidermolysis Bullosa Letalis. Identifiers: Orphanet 79404, MedGen C0079683, MONDO:0009182, OMIM 226700.

Allele frequency attached by ClinVar (database versions not stated): ESP Exome Variant Server 0.00023; gnomAD 0.00023 and 0.00037; TOPMed 0.00051; ExAC 0.00063; 1000 Genomes Project 30x 0.00203; 1000 Genomes Project 0.00220.
gnomAD v4.1: 501 of 1,614,024 alleles (0.031%); highest among the groups gnomAD compares: South Asian, 0.31%; 2 homozygotes.

Submissions (4):

Labcorp Genetics (formerly Invitae), Labcorp
Classification: Likely benign. Last evaluated: 2026-02-02. Review status: criteria provided, single submitter. Criteria: Invitae Variant Classification Sherloc (09022015). Collection method: clinical testing. Allele origin: germline.

Illumina Laboratory Services, Illumina
Classification: Likely benign for Laryngo-onycho-cutaneous syndrome. Last evaluated: 2018-01-13. Review status: criteria provided, single submitter. Criteria: ICSL Variant Classification Criteria 13 December 2019. Collection method: clinical testing. Allele origin: germline.
Comment: This variant was observed in the ICSL laboratory as part of a predisposition screen in an ostensibly healthy population. It had not been previously curated by ICSL or reported in the Human Gene Mutation Database (HGMD: prior to June 1st, 2018), and was therefore a candidate for classification through an automated scoring system. Utilizing variant allele frequency, disease prevalence and penetrance estimates, and inheritance mode, an automated score was calculated to assess if this variant is too frequent to cause the disease. Based on the score and internal cut-off values, a variant classified as likely benign is not then subjected to further curation. The score for this variant resulted in a classification of likely benign for this disease.

Illumina Laboratory Services, Illumina
Classification: Likely benign for Junctional epidermolysis bullosa gravis of Herlitz. Last evaluated: 2018-01-13. Review status: criteria provided, single submitter. Criteria: ICSL Variant Classification Criteria 13 December 2019. Collection method: clinical testing. Allele origin: germline.
Comment: the same text as in the submission from Illumina Laboratory Services, Illumina above.

PreventionGenetics, part of Exact Sciences
Classification: Likely benign for LAMA3-related condition. Last evaluated: 2024-03-21. Review status: no assertion criteria provided. Collection method: clinical testing. Allele origin: germline. Not counted in ClinVar's aggregate classification.
Comment: This variant is classified as likely benign based on ACMG/AMP sequence variant interpretation guidelines (Richards et al. 2015 PMID: 25741868, with internal and published modifications).